The following is an entry in ClinVar:

ClinVar aggregate classification (germline): Uncertain significance (1 of 4 stars; one submission).

Allele frequency attached by ClinVar (database versions not stated): TOPMed below 0.00001; gnomAD exomes 0.00001; ExAC 0.00002.
gnomAD v4.1: 7 of 1,614,156 alleles (0.00043%); highest among the groups gnomAD compares: Admixed American, 0.012%; no homozygotes.

Submission:

Labcorp Genetics (formerly Invitae), Labcorp
Classification: Uncertain significance. Last evaluated: 2022-05-04. Review status: criteria provided, single submitter. Criteria: Invitae Variant Classification Sherloc (09022015). Collection method: clinical testing. Allele origin: germline.
Comment: In summary, the available evidence is currently insufficient to determine the role of this variant in disease. Therefore, it has been classified as a Variant of Uncertain Significance. Algorithms developed to predict the effect of missense changes on protein structure and function output the following: SIFT: "Tolerated"; PolyPhen-2: "Benign"; Align-GVGD: "Class C0". The valine amino acid residue is found in multiple mammalian species, which suggests that this missense change does not adversely affect protein function. This variant has not been reported in the literature in individuals affected with EXTL3-related conditions. This variant is present in population databases (rs753235953, gnomAD 0.02%). This sequence change replaces alanine, which is neutral and non-polar, with valine, which is neutral and non-polar, at codon 166 of the EXTL3 protein (p.Ala166Val).

NM_001440.4(EXTL3):c.497C>T (p.Ala166Val)

Gene: EXTL3 (exostosin like glycosyltransferase 3; plus strand). Cytogenetic location: 8p21.1.
Variant type: single nucleotide variant.
Coding change: c.497C>T on transcript NM_001440.4 (MANE Select); coding-DNA position 497, C replaced by T.
Protein change: p.Ala166Val; replaces alanine 166 with valine.
Molecular consequence: missense variant.
Genome position (GRCh38, 1-based): chr8:28,716,556, C>T. VCF-style: chr8-28716556-C-T. GRCh37 (hg19) VCF-style: chr8-28574073-C-T.
Other names: short protein forms A166V.
Identifiers: ClinVar variation 1922807 (VCV001922807.3), dbSNP rs753235953, ClinGen allele CA4696010.
Genomic context (GRCh38, chr8:28,716,556, plus strand): 5'-TGGCCCAGAACCAGCCCAAGCTGTCCCTGCCCATCCGACTGCTCCCAGAGAAGGACGATG[C>T]CGGCCTCCCTCCCCCGAAGGCCACTCGGGGCTGCCGGCTACACAACTGCTTTGATTATTC-3'
Protein context (NP_001431.1, residues 156-176): PIRLLPEKDD[Ala166Val]GLPPPKATRG